The following is an entry in ClinVar:

NM_013275.6(ANKRD11):c.4530G>A (p.Pro1510=)

Gene: ANKRD11 (ankyrin repeat domain 11; minus strand). Cytogenetic location: 16q24.3.
Variant type: single nucleotide variant.
Coding change: c.4530G>A on transcript NM_013275.6 (MANE Select); coding-DNA position 4530, G replaced by A.
Protein change: p.Pro1510=; no amino-acid change (proline 1510 retained).
Molecular consequence: synonymous variant.
Genome position (GRCh38, 1-based): chr16:89,282,012, C>T on the plus strand (G>A on the coding strand, the complement: ANKRD11 is on the minus strand). VCF-style: chr16-89282012-C-T. GRCh37 (hg19) VCF-style: chr16-89348420-C-T.
Other names: c.4530G>A, p.Pro1510= (NM_001256182.2, NM_001256183.2).
Identifiers: ClinVar variation 2570955 (VCV002570955.29), dbSNP rs142410261, ClinGen allele CA8242088.

ClinVar aggregate classification (germline): Likely benign. Review status: criteria provided, multiple submitters, no conflicts (2 of 4 stars). 2 submissions from 2 submitters: Likely benign (2). Last evaluated 2024-09-19.

Conditions:
KBG syndrome (KBGS). Also called: ANKRD11-Related KBG Syndrome. Identifiers: Orphanet 2332, MedGen C0220687, MONDO:0007846, OMIM 148050.

Submissions (2):

Labcorp Genetics (formerly Invitae), Labcorp
Classification: Likely benign for KBG syndrome. Last evaluated: 2024-09-19. Review status: criteria provided, single submitter. Criteria: Invitae Variant Classification Sherloc (09022015). Collection method: clinical testing. Allele origin: germline.

CeGaT Center for Human Genetics Tuebingen
Classification: Likely benign. Last evaluated: 2023-04-01. Review status: criteria provided, single submitter. Criteria: CeGaT Center For Human Genetics Tuebingen Variant Classification Criteria Version 2. Collection method: clinical testing. Allele origin: germline. Affected: yes. Observed: 1 variant allele.
Comment: ANKRD11: BP4, BP7